The following is an entry in ClinVar:

ClinVar aggregate classification (germline): Uncertain significance (1 of 4 stars; one submission).

Conditions:
Cardiovascular phenotype. Identifiers: MedGen CN230736.

gnomAD v4.1: 3 of 1,211,084 alleles (0.00025%); highest among the groups gnomAD compares: Non-Finnish European, 0.00034%; no homozygotes.

Submission:

Ambry Genetics
Classification: Uncertain significance for Cardiovascular phenotype. Last evaluated: 2021-08-10. Review status: criteria provided, single submitter. Criteria: Ambry Variant Classification Scheme 2023. Collection method: clinical testing. Allele origin: germline.
Comment: The p.Q206P variant (also known as c.617A>C), located in coding exon 7 of the DMD gene, results from an A to C substitution at nucleotide position 617. The glutamine at codon 206 is replaced by proline, an amino acid with similar properties. This amino acid position is not well conserved in available vertebrate species. In addition, the in silico prediction for this alteration is inconclusive. Since supporting evidence is limited at this time, the clinical significance of this alteration remains unclear.

NM_004006.3(DMD):c.617A>C (p.Gln206Pro)

Gene: DMD (dystrophin; minus strand). Cytogenetic location: Xp21.1.
Variant type: single nucleotide variant.
Coding change: c.617A>C on transcript NM_004006.3 (MANE Select); coding-DNA position 617, A replaced by C.
Protein change: p.Gln206Pro; replaces glutamine 206 with proline.
Molecular consequence: missense variant.
Genome position (GRCh38, 1-based): chrX:32,809,525, T>G on the plus strand (A>C on the coding strand, the complement: DMD is on the minus strand). VCF-style: chrX-32809525-T-G. GRCh37 (hg19) VCF-style: chrX-32827642-T-G.
Other names: c.593A>C, p.Gln198Pro (NM_000109.4); c.605A>C, p.Gln202Pro (NM_004009.3); c.248A>C, p.Gln83Pro (NM_004010.3); short protein forms Q198P, Q83P, Q206P, Q202P.
Identifiers: ClinVar variation 1752036 (VCV001752036.2), dbSNP rs994260472, ClinGen allele CA412673821.